The following is an entry in ClinVar:

ClinVar aggregate classification (germline): Uncertain significance (1 of 4 stars; one submission).

Conditions:
Eichsfeld type congenital muscular dystrophy (CMYO3). Also called: Rigid spine muscular dystrophy 1; MYOPATHY, SEPN1-RELATED; SELENON-related myopathy; Congenital myopathy 3 with rigid spine. Identifiers: MedGen C0410180, MONDO:0100100, OMIM 602771.

Submission:

Labcorp Genetics (formerly Invitae), Labcorp
Classification: Uncertain significance for Eichsfeld type congenital muscular dystrophy. Last evaluated: 2021-12-31. Review status: criteria provided, single submitter. Criteria: Invitae Variant Classification Sherloc (09022015). Collection method: clinical testing. Allele origin: germline.
Comment: This sequence change replaces glutamine, which is neutral and polar, with histidine, which is basic and polar, at codon 459 of the SELENON protein (p.Gln459His). In summary, the available evidence is currently insufficient to determine the role of this variant in disease. Therefore, it has been classified as a Variant of Uncertain Significance. Algorithms developed to predict the effect of missense changes on protein structure and function are either unavailable or do not agree on the potential impact of this missense change (SIFT: "Deleterious"; PolyPhen-2: "Benign"; Align-GVGD: "Class C0"). This variant has not been reported in the literature in individuals affected with SELENON-related conditions. This variant is not present in population databases (gnomAD no frequency).

NM_206926.2(SELENON):c.1275G>C (p.Gln425His)

Gene: SELENON (selenoprotein N; plus strand). Cytogenetic location: 1p36.11.
Variant type: single nucleotide variant.
Coding change: c.1275G>C on transcript NM_206926.2 (MANE Select); coding-DNA position 1275, G replaced by C.
Protein change: p.Gln425His; replaces glutamine 425 with histidine.
Molecular consequence: missense variant.
Genome position (GRCh38, 1-based): chr1:25,812,782, G>C. VCF-style: chr1-25812782-G-C. GRCh37 (hg19) VCF-style: chr1-26139273-G-C.
Other names: c.1377G>C, p.Gln459His (NM_020451.3); short protein forms Q425H, Q459H.
Identifiers: ClinVar variation 2067917 (VCV002067917.4), dbSNP rs2525000728, ClinGen allele CA339117864.